The following is an entry in ClinVar:

ClinVar aggregate classification (germline): Uncertain significance. Review status: criteria provided, multiple submitters, no conflicts (2 of 4 stars). 6 submissions from 4 submitters: Uncertain significance (6). Last evaluated 2025-12-11.

Conditions:
Nephronophthisis 11 (NPHP11). Identifiers: Orphanet 84081, MedGen C3150796, MONDO:0013302, OMIM 613550.
Meckel syndrome, type 3 (MKS3). Also called: MECKEL-GRUBER SYNDROME, TYPE 3. Identifiers: Orphanet 564, MedGen C1846357, MONDO:0011821, OMIM 607361.
Joubert syndrome 6 (JBTS6). Identifiers: Orphanet 475, MedGen C1853153, MONDO:0012539, OMIM 610688.
Joubert syndrome. Also called: Familial aplasia of the vermis; JOUBERT-BOLTSHAUSER SYNDROME. Identifiers: Orphanet 475, MedGen C5979921, MONDO:0018772.
Meckel-Gruber syndrome. Also called: DYSENCEPHALIA SPLANCHNOCYSTICA; GRUBER SYNDROME; Dysencephalia splachnocystica. Identifiers: Orphanet 564, MedGen C0265215, MONDO:0018921.
Inborn genetic diseases. Identifiers: MedGen C0950123, MeSH D030342.

Allele frequency attached by ClinVar (database versions not stated): gnomAD exomes below 0.00001 and 0.00001; gnomAD 0.00001; TOPMed 0.00001.
gnomAD v4.1: 20 of 1,587,960 alleles (0.0013%); highest among the groups gnomAD compares: Non-Finnish European, 0.0017%; no homozygotes.

Submissions (6):

Ambry Genetics
Classification: Uncertain significance for Inborn genetic diseases. Last evaluated: 2025-12-11. Review status: criteria provided, single submitter. Criteria: Ambry Variant Classification Scheme 2023. Collection method: clinical testing. Allele origin: germline.

Blueprint Genetics
Classification: Uncertain significance. Last evaluated: 2024-06-21. Review status: criteria provided, single submitter. Criteria: ACMG Guidelines, 2015. Collection method: clinical testing. Allele origin: germline.

Labcorp Genetics (formerly Invitae), Labcorp
Classification: Uncertain significance for Joubert syndrome; Meckel-Gruber syndrome. Last evaluated: 2022-10-17. Review status: criteria provided, single submitter. Criteria: Invitae Variant Classification Sherloc (09022015). Collection method: clinical testing. Allele origin: germline.
Comment: This sequence change replaces asparagine, which is neutral and polar, with serine, which is neutral and polar, at codon 90 of the TMEM67 protein (p.Asn90Ser). This variant is present in population databases (no rsID available, gnomAD 0.0009%). This variant has not been reported in the literature in individuals affected with TMEM67-related conditions. ClinVar contains an entry for this variant (Variation ID: 909996). Advanced modeling of protein sequence and biophysical properties (such as structural, functional, and spatial information, amino acid conservation, physicochemical variation, residue mobility, and thermodynamic stability) performed at Invitae indicates that this missense variant is expected to disrupt TMEM67 protein function. In summary, the available evidence is currently insufficient to determine the role of this variant in disease. Therefore, it has been classified as a Variant of Uncertain Significance.

Illumina Laboratory Services, Illumina
Classification: Uncertain significance for Joubert syndrome 6. Last evaluated: 2017-04-27. Review status: criteria provided, single submitter. Criteria: ICSL Variant Classification Criteria 13 December 2019. Collection method: clinical testing. Allele origin: germline.

Illumina Laboratory Services, Illumina
Classification: Uncertain significance for Nephronophthisis 11. Last evaluated: 2017-04-27. Review status: criteria provided, single submitter. Criteria: ICSL Variant Classification Criteria 13 December 2019. Collection method: clinical testing. Allele origin: germline.

Illumina Laboratory Services, Illumina
Classification: Uncertain significance for Meckel syndrome, type 3. Last evaluated: 2017-04-27. Review status: criteria provided, single submitter. Criteria: ICSL Variant Classification Criteria 13 December 2019. Collection method: clinical testing. Allele origin: germline.

NM_153704.6(TMEM67):c.269A>G (p.Asn90Ser)

Gene: TMEM67 (transmembrane protein 67; plus strand). Cytogenetic location: 8q22.1.
Variant type: single nucleotide variant.
Coding change: c.269A>G on transcript NM_153704.6 (MANE Select); coding-DNA position 269, A replaced by G.
Protein change: p.Asn90Ser; replaces asparagine 90 with serine.
Molecular consequence: missense variant. On other transcripts: non-coding transcript variant (1), intron variant (1).
Genome position (GRCh38, 1-based): chr8:93,755,823, A>G. VCF-style: chr8-93755823-A-G. GRCh37 (hg19) VCF-style: chr8-94768051-A-G.
Other names: c.-62+686A>G (NM_001142301.1); short protein forms N90S.
Identifiers: ClinVar variation 909996 (VCV000909996.8), dbSNP rs1461948623, ClinGen allele CA371685621.
Genomic context (GRCh38, chr8:93,755,823, plus strand): 5'-TTTTTTTTTTTTTAGGAACTTCATGTGTATGTCTACCAGGATTTCAGATGATCTCTAATA[A>G]TGGAGGACCTGCTATTATTTGTAAAAAGTGCCCAGAAAACATGGTGCGCATAATTTATTT-3'
Protein context (NP_714915.3, residues 80-100): CLPGFQMISN[Asn90Ser]GGPAIICKKC